The following is an entry in ClinVar:

NM_198053.3(CD247):c.310A>G (p.Lys104Glu)

Gene: CD247 (CD247 molecule; minus strand). Cytogenetic location: 1q24.2.
Variant type: single nucleotide variant.
Coding change: c.310A>G on transcript NM_198053.3 (MANE Select); coding-DNA position 310, A replaced by G.
Protein change: p.Lys104Glu; replaces lysine 104 with glutamic acid.
Molecular consequence: missense variant.
Genome position (GRCh38, 1-based): chr1:167,435,425, T>C on the plus strand (A>G on the coding strand, the complement: CD247 is on the minus strand). VCF-style: chr1-167435425-T-C. GRCh37 (hg19) VCF-style: chr1-167404662-T-C.
Other names: c.307A>G, p.Lys103Glu (NM_000734.4); c.403A>G, p.Lys135Glu (NM_001378515.1); c.400A>G, p.Lys134Glu (NM_001378516.1); c.310A>G (NM_198053.2); short protein forms K103E, K135E, K104E, K134E.
Identifiers: ClinVar variation 1035756 (VCV001035756.4), dbSNP rs145505909, ClinGen allele CA1225994.

ClinVar aggregate classification (germline): Uncertain significance. Review status: criteria provided, multiple submitters, no conflicts (2 of 4 stars). 2 submissions from 2 submitters: Uncertain significance (2). Last evaluated 2024-02-12.

Conditions:
Immunodeficiency 25. Also called: Immunodeficiency due to defect in cd3-zeta, somatic. Identifiers: MedGen C1857798, MONDO:0012426, OMIM 610163.

Allele frequency attached by ClinVar (database versions not stated): gnomAD exomes 0.00001 and 0.00003; ExAC 0.00003; ESP Exome Variant Server 0.00008; gnomAD 0.00008; TOPMed 0.00009; 1000 Genomes Project 30x 0.00016; 1000 Genomes Project 0.00020.
gnomAD v4.1: 30 of 1,612,574 alleles (0.0019%); highest among the groups gnomAD compares: African/African-American, 0.037%; no homozygotes.

Submissions (2):

Ambry Genetics
Classification: Uncertain significance. Last evaluated: 2024-02-12. Review status: criteria provided, single submitter. Criteria: Ambry Variant Classification Scheme 2023. Collection method: clinical testing. Allele origin: germline.

Labcorp Genetics (formerly Invitae), Labcorp
Classification: Uncertain significance for Immunodeficiency 25. Last evaluated: 2022-08-19. Review status: criteria provided, single submitter. Criteria: Invitae Variant Classification Sherloc (09022015). Collection method: clinical testing. Allele origin: germline.
Comment: ClinVar contains an entry for this variant (Variation ID: 1035756). This variant has not been reported in the literature in individuals affected with CD247-related conditions. This variant is present in population databases (rs145505909, gnomAD 0.05%). This sequence change replaces lysine, which is basic and polar, with glutamic acid, which is acidic and polar, at codon 104 of the CD247 protein (p.Lys104Glu). Algorithms developed to predict the effect of missense changes on protein structure and function are either unavailable or do not agree on the potential impact of this missense change (SIFT: "Deleterious"; PolyPhen-2: "Benign"; Align-GVGD: "Class C0"). In summary, the available evidence is currently insufficient to determine the role of this variant in disease. Therefore, it has been classified as a Variant of Uncertain Significance.